The following is an entry in ClinVar:

ClinVar aggregate classification (germline): Uncertain significance (1 of 4 stars; one submission).

Allele frequency attached by ClinVar (database versions not stated): gnomAD exomes below 0.00001.
gnomAD v4.1: 1 of 1,614,190 alleles (0.000062%); highest among the groups gnomAD compares: Admixed American, 0.0017%; no homozygotes.

Submission:

Labcorp Genetics (formerly Invitae), Labcorp
Classification: Uncertain significance. Last evaluated: 2024-12-19. Review status: criteria provided, single submitter. Criteria: Invitae Variant Classification Sherloc (09022015). Collection method: clinical testing. Allele origin: germline.
Comment: This sequence change replaces alanine, which is neutral and non-polar, with glutamic acid, which is acidic and polar, at codon 99 of the ASRGL1 protein (p.Ala99Glu). This variant is present in population databases (no rsID available, gnomAD 0.003%). This variant has not been reported in the literature in individuals affected with ASRGL1-related conditions. ClinVar contains an entry for this variant (Variation ID: 1482995). An algorithm developed to predict the effect of missense changes on protein structure and function outputs the following: PolyPhen-2: "Benign". The glutamic acid amino acid residue is found in multiple mammalian species, which suggests that this missense change does not adversely affect protein function. In summary, the available evidence is currently insufficient to determine the role of this variant in disease. Therefore, it has been classified as a Variant of Uncertain Significance.

NM_001083926.2(ASRGL1):c.296C>A (p.Ala99Glu)

Gene: ASRGL1 (asparaginase and isoaspartyl peptidase 1; plus strand). Cytogenetic location: 11q12.3.
Variant type: single nucleotide variant.
Coding change: c.296C>A on transcript NM_001083926.2 (MANE Select); coding-DNA position 296, C replaced by A.
Protein change: p.Ala99Glu; replaces alanine 99 with glutamic acid.
Molecular consequence: missense variant.
Genome position (GRCh38, 1-based): chr11:62,356,430, C>A. VCF-style: chr11-62356430-C-A. GRCh37 (hg19) VCF-style: chr11-62123902-C-A.
Other names: c.296C>A, p.Ala99Glu (NM_025080.4); short protein forms A99E.
Identifiers: ClinVar variation 1482995 (VCV001482995.6), dbSNP rs1374698423, ClinGen allele CA380865466.